The following is an entry in ClinVar:

ClinVar aggregate classification (germline): Uncertain significance (1 of 4 stars; one submission).

Conditions:
Charcot-Marie-Tooth disease type 4. Also called: Charcot-Marie-Tooth disease, type IV; Charcot-Marie-Tooth, Type 4. Identifiers: Orphanet 64749, MedGen C4082197, MONDO:0018995.

Allele frequency attached by ClinVar (database versions not stated): gnomAD exomes below 0.00001.
gnomAD v4.1: 2 of 1,614,096 alleles (0.00012%); highest among the groups gnomAD compares: Non-Finnish European, 0.00017%; no homozygotes.

Submission:

Labcorp Genetics (formerly Invitae), Labcorp
Classification: Uncertain significance for Charcot-Marie-Tooth disease type 4. Last evaluated: 2022-05-11. Review status: criteria provided, single submitter. Criteria: Invitae Variant Classification Sherloc (09022015). Collection method: clinical testing. Allele origin: germline.
Comment: In summary, the available evidence is currently insufficient to determine the role of this variant in disease. Therefore, it has been classified as a Variant of Uncertain Significance. Advanced modeling of protein sequence and biophysical properties (such as structural, functional, and spatial information, amino acid conservation, physicochemical variation, residue mobility, and thermodynamic stability) performed at Invitae indicates that this missense variant is not expected to disrupt SH3TC2 protein function. This variant has not been reported in the literature in individuals affected with SH3TC2-related conditions. This variant is present in population databases (rs201556724, gnomAD 0.0009%). This sequence change replaces glutamine, which is neutral and polar, with leucine, which is neutral and non-polar, at codon 103 of the SH3TC2 protein (p.Gln103Leu).

NM_024577.4(SH3TC2):c.308A>T (p.Gln103Leu)

Gene: SH3TC2 (SH3 domain and tetratricopeptide repeats 2; minus strand). Cytogenetic location: 5q32.
Variant type: single nucleotide variant.
Coding change: c.308A>T on transcript NM_024577.4 (MANE Select); coding-DNA position 308, A replaced by T.
Protein change: p.Gln103Leu; replaces glutamine 103 with leucine.
Molecular consequence: missense variant.
Genome position (GRCh38, 1-based): chr5:149,044,610, T>A on the plus strand (A>T on the coding strand, the complement: SH3TC2 is on the minus strand). VCF-style: chr5-149044610-T-A. GRCh37 (hg19) VCF-style: chr5-148424173-T-A.
Other names: short protein forms Q103L.
Identifiers: ClinVar variation 2077388 (VCV002077388.4), dbSNP rs201556724, ClinGen allele CA129000287.